The following is an entry in ClinVar:

NM_020937.4(FANCM):c.2266C>A (p.Arg756Ser)

Gene: FANCM (FA complementation group M; plus strand). Cytogenetic location: 14q21.2.
Variant type: single nucleotide variant.
Coding change: c.2266C>A on transcript NM_020937.4 (MANE Select); coding-DNA position 2266, C replaced by A.
Protein change: p.Arg756Ser; replaces arginine 756 with serine.
Molecular consequence: missense variant.
Genome position (GRCh38, 1-based): chr14:45,173,160, C>A. VCF-style: chr14-45173160-C-A. GRCh37 (hg19) VCF-style: chr14-45642363-C-A.
Other names: c.2188C>A, p.Arg730Ser (NM_001308133.2); short protein forms R756S, R730S.
Identifiers: ClinVar variation 2832658 (VCV002832658.4), dbSNP rs756870111, ClinGen allele CA7169304.

ClinVar aggregate classification (germline): Uncertain significance. Review status: criteria provided, multiple submitters, no conflicts (2 of 4 stars). 2 submissions from 2 submitters: Uncertain significance (2). Last evaluated 2024-10-15.

Conditions:
Inborn genetic diseases. Identifiers: MedGen C0950123, MeSH D030342.
Fanconi anemia (FA). Also called: Fanconi's anemia. Identifiers: Orphanet 84, MedGen C0015625, MeSH D005199, MONDO:0019391.

gnomAD v4.1: 10 of 1,613,592 alleles (0.00062%); highest among the groups gnomAD compares: Non-Finnish European, 0.00085%; no homozygotes.

Submissions (2):

Ambry Genetics
Classification: Uncertain significance for Inborn genetic diseases. Last evaluated: 2024-10-15. Review status: criteria provided, single submitter. Criteria: Ambry Variant Classification Scheme 2023. Collection method: clinical testing. Allele origin: germline.
Comment: The p.R756S variant (also known as c.2266C>A), located in coding exon 13 of the FANCM gene, results from a C to A substitution at nucleotide position 2266. The arginine at codon 756 is replaced by serine, an amino acid with dissimilar properties. This amino acid position is conserved. In addition, this alteration is predicted to be tolerated by in silico analysis. Based on the available evidence, the clinical significance of this variant remains unclear.

Labcorp Genetics (formerly Invitae), Labcorp
Classification: Uncertain significance for Fanconi anemia. Last evaluated: 2024-04-17. Review status: criteria provided, single submitter. Criteria: Invitae Variant Classification Sherloc (09022015). Collection method: clinical testing. Allele origin: germline.
Comment: This sequence change replaces arginine, which is basic and polar, with serine, which is neutral and polar, at codon 756 of the FANCM protein (p.Arg756Ser). This variant is present in population databases (rs756870111, gnomAD 0.002%). This variant has not been reported in the literature in individuals affected with FANCM-related conditions. An algorithm developed to predict the effect of missense changes on protein structure and function (PolyPhen-2) suggests that this variant is likely to be tolerated. In summary, the available evidence is currently insufficient to determine the role of this variant in disease. Therefore, it has been classified as a Variant of Uncertain Significance.